The following is an entry in ClinVar:

NM_172107.4(KCNQ2):c.2581C>T (p.Pro861Ser)

Gene: KCNQ2 (potassium voltage-gated channel subfamily Q member 2; minus strand). Cytogenetic location: 20q13.33.
Variant type: single nucleotide variant.
Coding change: c.2581C>T on transcript NM_172107.4 (MANE Select); coding-DNA position 2581, C replaced by T.
Protein change: p.Pro861Ser; replaces proline 861 with serine.
Molecular consequence: missense variant.
Genome position (GRCh38, 1-based): chr20:63,406,682, G>A on the plus strand (C>T on the coding strand, the complement: KCNQ2 is on the minus strand). VCF-style: chr20-63406682-G-A. GRCh37 (hg19) VCF-style: chr20-62038035-G-A.
Other names: c.2635C>T, p.Pro879Ser (NM_001382235.1); c.2524C>T, p.Pro842Ser (NM_001439003.1); c.2494C>T, p.Pro832Ser (NM_001439004.1); c.2497C>T, p.Pro833Ser (NM_004518.6); c.2527C>T, p.Pro843Ser (NM_172106.3); c.2488C>T, p.Pro830Ser (NM_172108.5); short protein forms P833S, P830S, P842S, P861S, P832S, P843S, P879S.
Identifiers: ClinVar variation 4691785 (VCV004691785.1).

ClinVar aggregate classification (germline): Uncertain significance (1 of 4 stars; one submission).

Conditions:
Early-infantile DEE. Also called: Early infantile epileptic encephalopathy with suppression bursts; Early infantile epileptic encephalopathy; Ohtahara syndrome. Identifiers: Orphanet 1934, MedGen C0393706, MONDO:0800491.

Submission:

Labcorp Genetics (formerly Invitae), Labcorp
Classification: Uncertain significance for Early-infantile DEE. Last evaluated: 2025-05-07. Review status: criteria provided, single submitter. Criteria: Invitae Variant Classification Sherloc (09022015). Collection method: clinical testing. Allele origin: germline.
Comment: This sequence change replaces proline, which is neutral and non-polar, with serine, which is neutral and polar, at codon 861 of the KCNQ2 protein (p.Pro861Ser). This variant is not present in population databases (gnomAD no frequency). This variant has not been reported in the literature in individuals affected with KCNQ2-related conditions. Invitae Evidence Modeling of protein sequence and biophysical properties (such as structural, functional, and spatial information, amino acid conservation, physicochemical variation, residue mobility, and thermodynamic stability) indicates that this missense variant is not expected to disrupt KCNQ2 protein function with a negative predictive value of 95%. In summary, the available evidence is currently insufficient to determine the role of this variant in disease. Therefore, it has been classified as a Variant of Uncertain Significance.